The following is an entry in ClinVar:

ClinVar aggregate classification (germline): Uncertain significance (1 of 4 stars; one submission).

Submission:

GeneDx
Classification: Uncertain significance. Last evaluated: 2023-11-27. Review status: criteria provided, single submitter. Criteria: GeneDx Variant Classification Process June 2021. Collection method: clinical testing. Allele origin: germline. Affected: yes.
Comment: Not observed at significant frequency in large population cohorts (gnomAD); In silico analysis supports that this missense variant has a deleterious effect on protein structure/function; Has not been previously published as pathogenic or benign to our knowledge

NM_005654.6(NR2F1):c.530A>G (p.Asp177Gly)

Gene: NR2F1 (nuclear receptor subfamily 2 group F member 1; plus strand). Cytogenetic location: 5q15.
Variant type: single nucleotide variant.
Coding change: c.530A>G on transcript NM_005654.6 (MANE Select); coding-DNA position 530, A replaced by G.
Protein change: p.Asp177Gly; replaces aspartic acid 177 with glycine.
Molecular consequence: missense variant.
Genome position (GRCh38, 1-based): chr5:93,587,983, A>G. VCF-style: chr5-93587983-A-G. GRCh37 (hg19) VCF-style: chr5-92923689-A-G.
Other names: c.80A>G, p.Asp27Gly (NM_001410754.1); short protein forms D177G, D27G.
Identifiers: ClinVar variation 3364857 (VCV003364857.1).